The following is an entry in ClinVar:

ClinVar aggregate classification (germline): Uncertain significance (1 of 4 stars; one submission).

Conditions:
Inborn genetic diseases. Identifiers: MedGen C0950123, MeSH D030342.

gnomAD v4.1: 3 of 1,614,232 alleles (0.00019%); highest among the groups gnomAD compares: Non-Finnish European, 0.00025%; no homozygotes.

Submission:

Ambry Genetics
Classification: Uncertain significance for Inborn genetic diseases. Last evaluated: 2025-08-09. Review status: criteria provided, single submitter. Criteria: Ambry Variant Classification Scheme 2023. Collection method: clinical testing. Allele origin: germline.
Comment: The p.T250A variant (also known as c.748A>G), located in coding exon 6 of the FANCG gene, results from an A to G substitution at nucleotide position 748. The threonine at codon 250 is replaced by alanine, an amino acid with similar properties. This amino acid position is conserved. In addition, the in silico prediction for this alteration is inconclusive. Based on the available evidence, the clinical significance of this variant remains unclear.

NM_004629.2(FANCG):c.748A>G (p.Thr250Ala)

Gene: FANCG (FA complementation group G; minus strand). Cytogenetic location: 9p13.3.
Variant type: single nucleotide variant.
Coding change: c.748A>G on transcript NM_004629.2 (MANE Select); coding-DNA position 748, A replaced by G.
Protein change: p.Thr250Ala; replaces threonine 250 with alanine.
Molecular consequence: missense variant.
Genome position (GRCh38, 1-based): chr9:35,077,000, T>C on the plus strand (A>G on the coding strand, the complement: FANCG is on the minus strand). VCF-style: chr9-35077000-T-C. GRCh37 (hg19) VCF-style: chr9-35076997-T-C.
Other names: short protein forms T250A.
Identifiers: ClinVar variation 4254472 (VCV004254472.1).